The following is an entry in ClinVar:

ClinVar aggregate classification (germline): Likely benign. Review status: criteria provided, multiple submitters, no conflicts (2 of 4 stars). 3 submissions from 3 submitters: Likely benign (3). Last evaluated 2026-09-01.

Allele frequency attached by ClinVar (database versions not stated): TOPMed 0.00006; gnomAD exomes 0.00007; ESP Exome Variant Server 0.00008; ExAC 0.00012.
gnomAD v4.1: 112 of 1,613,844 alleles (0.0069%); highest among the groups gnomAD compares: Middle Eastern, 0.12%; no homozygotes.

Submissions (3):

CeGaT Center for Human Genetics Tuebingen
Classification: Likely benign. Last evaluated: 2026-09-01. Review status: criteria provided, single submitter. Criteria: CeGaT Center For Human Genetics Tuebingen Variant Classification Criteria Version 2. Collection method: clinical testing. Allele origin: germline. Affected: yes. Observed: 1 variant allele.
Comment: SCO2: BP4, BP7

Labcorp Genetics (formerly Invitae), Labcorp
Classification: Likely benign. Last evaluated: 2025-11-13. Review status: criteria provided, single submitter. Criteria: Invitae Variant Classification Sherloc (09022015). Collection method: clinical testing. Allele origin: germline.

GeneDx
Classification: Likely benign. Last evaluated: 2021-10-26. Review status: criteria provided, single submitter. Criteria: GeneDx Variant Classification Process June 2021. Collection method: clinical testing. Allele origin: germline. Affected: yes.

NM_005138.3(SCO2):c.540C>T (p.Tyr180=)

Genes: NCAPH2 (non-SMC condensin II complex subunit H2; plus strand), SCO2 (synthesis of cytochrome C oxidase 2; minus strand). Cytogenetic location: 22q13.33.
Variant type: single nucleotide variant.
Coding change: c.540C>T on transcript NM_005138.3 (MANE Select); coding-DNA position 540, C replaced by T.
Protein change: p.Tyr180=; no amino-acid change (tyrosine 180 retained).
Molecular consequence: synonymous variant. On other transcripts: 3 prime UTR variant (2).
Genome position (GRCh38, 1-based): chr22:50,523,872, G>A on the plus strand (C>T on the coding strand, the complement: SCO2 is on the minus strand). VCF-style: chr22-50523872-G-A. GRCh37 (hg19) VCF-style: chr22-50962301-G-A.
Other names: c.*497G>A (NM_001185011.2, NM_152299.4); c.540C>T, p.Tyr180= (NM_001169109.2, NM_001169110.1, NM_001169111.2).
Identifiers: ClinVar variation 507159 (VCV000507159.15), dbSNP rs375795527, ClinGen allele CA10321176.
Genomic context (GRCh38, chr22:50,523,872, plus strand): 5'-CTGGGCAACCTGTTTGGTGGAGCCGGTCAGACCCAACAGTCTTGGGTGGAAGTCCTGGAC[G>A]TAGCGGGCCATGGCTTCAACGTCGTCCCGCTCGGGGTCCACAGTGATGAAGACAGGCTGC-3'
Protein context (NP_005129.2, residues 170-190): ERDDVEAMAR[Tyr180=]VQDFHPRLLG